The following is an entry in ClinVar:

ClinVar aggregate classification (germline): Uncertain significance (1 of 4 stars; one submission).

Conditions:
Neurofibromatosis, type 1 (NF1). Also called: NEUROFIBROMATOSIS, TYPE I, SOMATIC; VON RECKLINGHAUSEN DISEASE; Neurofibromatosis, type I; Peripheral type neurofibromatosis. Identifiers: Orphanet 636, MedGen C0027831, MONDO:0018975, OMIM 162200. Disease mechanism: loss of function.

Submission:

Labcorp Genetics (formerly Invitae), Labcorp
Classification: Uncertain significance for Neurofibromatosis, type 1. Last evaluated: 2024-08-07. Review status: criteria provided, single submitter. Criteria: Invitae Variant Classification Sherloc (09022015). Collection method: clinical testing. Allele origin: germline.
Comment: This sequence change falls in intron 1 of the NF1 gene. It does not directly change the encoded amino acid sequence of the NF1 protein. It affects a nucleotide within the consensus splice site. This variant is not present in population databases (gnomAD no frequency). This variant has not been reported in the literature in individuals affected with NF1-related conditions. ClinVar contains an entry for this variant (Variation ID: 641143). Variants that disrupt the consensus splice site are a relatively common cause of aberrant splicing (PMID: 17576681, 9536098). Algorithms developed to predict the effect of sequence changes on RNA splicing suggest that this variant may disrupt the consensus splice site. In summary, the available evidence is currently insufficient to determine the role of this variant in disease. Therefore, it has been classified as a Variant of Uncertain Significance.

Literature cited by the submitters: PubMed 17576681; PubMed 9536098.

NM_001042492.3(NF1):c.60+3A>T

Genes: MIR4733HG (MIR4733 host gene; minus strand), NF1 (neurofibromin 1; plus strand), LOC111811965 (NF1 (neurofibromin 1) promoter region; plus strand). Cytogenetic location: 17q11.2.
Variant type: single nucleotide variant.
Coding change: c.60+3A>T on transcript NM_001042492.3 (MANE Select); 3 bases into the intron after coding-DNA position 60, A replaced by T.
Molecular consequence: intron variant. On other transcripts: non-coding transcript variant (1).
Genome position (GRCh38, 1-based): chr17:31,095,372, A>T. VCF-style: chr17-31095372-A-T. GRCh37 (hg19) VCF-style: chr17-29422390-A-T.
Other names: c.60+3A>T (NM_000267.4, NM_001128147.3).
Identifiers: ClinVar variation 641143 (VCV000641143.6), dbSNP rs1598173910, ClinGen allele CA499197544.